The following is an entry in ClinVar:

ClinVar aggregate classification (germline): Uncertain significance (1 of 4 stars; one submission).

Submission:

GeneDx
Classification: Uncertain significance. Last evaluated: 2026-08-04. Review status: criteria provided, single submitter. Criteria: GeneDx Variant Classification Process June 2021. Collection method: clinical testing. Allele origin: germline.
Comment: Not observed at significant frequency in large population cohorts (gnomAD); In silico analysis supports that this missense variant has a deleterious effect on protein structure/function; Has not been previously published as pathogenic or benign to our knowledge

NM_133433.4(NIPBL):c.6921G>C (p.Leu2307Phe)

Gene: NIPBL (NIPBL cohesin loading factor; plus strand). Cytogenetic location: 5p13.2.
Variant type: single nucleotide variant.
Coding change: c.6921G>C on transcript NM_133433.4 (MANE Select); coding-DNA position 6921, G replaced by C.
Protein change: p.Leu2307Phe; replaces leucine 2307 with phenylalanine.
Molecular consequence: missense variant.
Genome position (GRCh38, 1-based): chr5:37,049,268, G>C. VCF-style: chr5-37049268-G-C. GRCh37 (hg19) VCF-style: chr5-37049370-G-C.
Other names: c.6921G>C, p.Leu2307Phe (NM_015384.5); short protein forms L2307F.
Identifiers: ClinVar variation 2503138 (VCV002503138.2), dbSNP rs1579572703, ClinGen allele CA359509045.